The following is an entry in ClinVar:

ClinVar aggregate classification (germline): Uncertain significance (1 of 4 stars; one submission).

Submission:

Dasa
Classification: Uncertain significance. Last evaluated: 2025-11-26. Review status: criteria provided, single submitter. Criteria: DASA Assertion Criteria. Collection method: clinical testing. Allele origin: germline.
Comment: NM_000276.4(OCRL):c.2701G>T (p.Asp901Tyr) is a missense variant that results in the substitution of aspartic acid with tyrosine. This variant is absent from population databases. Computational prediction algorithms are consistent with a deleterious effect. The currently available literature and clinical evidence are not sufficient to establish a definitive association between this variant and the reported condition. Therefore, this variant is classified as a variant of uncertain significance.

NM_000276.4(OCRL):c.2701G>T (p.Asp901Tyr)

Gene: OCRL (OCRL inositol polyphosphate-5-phosphatase; plus strand). Cytogenetic location: Xq26.1.
Variant type: single nucleotide variant.
Coding change: c.2701G>T on transcript NM_000276.4 (MANE Select); coding-DNA position 2701, G replaced by T.
Protein change: p.Asp901Tyr; replaces aspartic acid 901 with tyrosine.
Molecular consequence: missense variant.
Genome position (GRCh38, 1-based): chrX:129,590,265, G>T. VCF-style: chrX-129590265-G-T. GRCh37 (hg19) VCF-style: chrX-128724242-G-T.
Other names: c.2704G>T, p.Asp902Tyr (NM_001318784.2); c.2677G>T, p.Asp893Tyr (NM_001587.4); short protein forms D893Y, D901Y, D902Y.
Identifiers: ClinVar variation 4885567 (VCV004885567.2).